The following is an entry in ClinVar:

ClinVar aggregate classification (germline): Uncertain significance. Review status: criteria provided, multiple submitters, no conflicts (2 of 4 stars). 2 submissions from 2 submitters: Uncertain significance (2). Last evaluated 2024-02-24.

Conditions:
Renal cell carcinoma. Identifiers: Orphanet 217071, MedGen C0007134, MeSH D002292, MONDO:0005086, HP:0005584.
Autosomal recessive nonsyndromic hearing loss 97. Also called: Deafness, autosomal recessive 97. Identifiers: Orphanet 90636, MedGen C4084709, MONDO:0014739, OMIM 616705.
Papillary renal cell carcinoma type 1 (RCCP1). Also called: Renal adenocarcinoma; Renal cell carcinoma 1; Renal cell carcinoma, somatic; RENAL CELL CARCINOMA, PAPILLARY, 1, SOMATIC. Identifiers: Orphanet 47044, MedGen C1336839, OMIM 605074, HP:0011797.
Hepatocellular carcinoma (HCC). Also called: Primary carcinoma of liver; HEPATOMA; LIVER CELL CARCINOMA. Identifiers: Orphanet 88673, MedGen C2239176, MONDO:0007256, OMIM 114550, HP:0001402.
Osteofibrous dysplasia (OSFD). Also called: Tibia, bowing of, with pseudarthrosis and pectus excavatum. Identifiers: Orphanet 488265, MedGen C4085248, MONDO:0011806, OMIM 607278.
Arthrogryposis, distal, IIa 11. Also called: Arthrogryposis, distal, type 11. Identifiers: MedGen C5774205, MONDO:0031045, OMIM 620019.

Allele frequency attached by ClinVar (database versions not stated): gnomAD exomes below 0.00001; ExAC 0.00001.
gnomAD v4.1: 1 of 1,614,100 alleles (0.000062%); highest among the groups gnomAD compares: Non-Finnish European, 0.000085%; no homozygotes.

Submissions (2):

Fulgent Genetics
Classification: Uncertain significance for Hepatocellular carcinoma; Papillary renal cell carcinoma type 1; Osteofibrous dysplasia; Autosomal recessive nonsyndromic hearing loss 97; Arthrogryposis, distal, IIa 11. Last evaluated: 2024-02-24. Review status: criteria provided, single submitter. Criteria: ACMG Guidelines, 2015. Collection method: clinical testing. Allele origin: germline.

Labcorp Genetics (formerly Invitae), Labcorp
Classification: Uncertain significance for Renal cell carcinoma. Last evaluated: 2018-04-19. Review status: criteria provided, single submitter. Criteria: Invitae Variant Classification Sherloc (09022015). Collection method: clinical testing. Allele origin: germline.
Comment: In summary, the available evidence is currently insufficient to determine the role of this variant in disease. Therefore, it has been classified as a Variant of Uncertain Significance. Algorithms developed to predict the effect of missense changes on protein structure and function do not agree on the potential impact of this missense change (SIFT: "Tolerated"; PolyPhen-2: "Probably Damaging"; Align-GVGD: "Class C0"). This sequence change replaces valine with isoleucine at codon 237 of the MET protein (p.Val237Ile). The valine residue is moderately conserved and there is a small physicochemical difference between valine and isoleucine. This variant is present in population databases (rs757402499, ExAC 0.001%). This variant has not been reported in the literature in individuals with MET-related disease.

NM_000245.4(MET):c.709G>A (p.Val237Ile)

Gene: MET (MET proto-oncogene, receptor tyrosine kinase; plus strand). Cytogenetic location: 7q31.2.
Variant type: single nucleotide variant.
Coding change: c.709G>A on transcript NM_000245.4 (MANE Select); coding-DNA position 709, G replaced by A.
Protein change: p.Val237Ile; replaces valine 237 with isoleucine.
Molecular consequence: missense variant. On other transcripts: intron variant (1).
Genome position (GRCh38, 1-based): chr7:116,699,793, G>A. VCF-style: chr7-116699793-G-A. GRCh37 (hg19) VCF-style: chr7-116339847-G-A.
Other names: c.709G>A, p.Val237Ile (NM_001127500.3, NM_001324401.3); c.-91+27216G>A (NM_001324402.2); short protein forms V237I.
Identifiers: ClinVar variation 576936 (VCV000576936.11), dbSNP rs757402499, ClinGen allele CA4448018.
Genomic context (GRCh38, chr7:116,699,793, plus strand): 5'-AGAAGGCTAAAGGAAACGAAAGATGGTTTTATGTTTTTGACGGACCAGTCCTACATTGAT[G>A]TTTTACCTGAGTTCAGAGATTCTTACCCCATTAAGTATGTCCATGCCTTTGAAAGCAACA-3'
Protein context (NP_000236.2, residues 227-247): MFLTDQSYID[Val237Ile]LPEFRDSYPI